The following is an entry in ClinVar:

ClinVar aggregate classification (germline): Conflicting classifications of pathogenicity. Review status: criteria provided, conflicting classifications (1 of 4 stars). 3 submissions from 3 submitters: Uncertain significance (1); Likely benign (1). 1 of the submissions does not count toward it. Last evaluated 2025-08-11.

Conditions:
ORC4-related disorder. Also called: ORC4-related condition.

Allele frequency attached by ClinVar (database versions not stated): gnomAD 0.00003 and 0.00005; TOPMed 0.00006; ExAC 0.00009; gnomAD exomes 0.00012.
gnomAD v4.1: 63 of 1,505,488 alleles (0.0042%); highest among the groups gnomAD compares: Middle Eastern, 0.051%; no homozygotes.

Submissions (3):

Labcorp Genetics (formerly Invitae), Labcorp
Classification: Likely benign. Last evaluated: 2025-08-11. Review status: criteria provided, single submitter. Criteria: Invitae Variant Classification Sherloc (09022015). Collection method: clinical testing. Allele origin: germline.

Genetic Services Laboratory, University of Chicago
Classification: Uncertain significance. Last evaluated: 2015-09-14. Review status: criteria provided, single submitter. Criteria: ACMG Guidelines, 2015. Collection method: clinical testing. Allele origin: germline. Affected: no.

PreventionGenetics, part of Exact Sciences
Classification: Likely benign for ORC4-related condition. Last evaluated: 2023-12-18. Review status: no assertion criteria provided. Collection method: clinical testing. Allele origin: germline. Not counted in ClinVar's aggregate classification.
Comment: This variant is classified as likely benign based on ACMG/AMP sequence variant interpretation guidelines (Richards et al. 2015 PMID: 25741868, with internal and published modifications).

NM_181741.4(ORC4):c.763-4T>G

Gene: ORC4 (origin recognition complex subunit 4; minus strand). Cytogenetic location: 2q23.1.
Variant type: single nucleotide variant.
Coding change: c.763-4T>G on transcript NM_181741.4 (MANE Select); 4 bases into the intron before coding-DNA position 763, T replaced by G.
Molecular consequence: intron variant.
Genome position (GRCh38, 1-based): chr2:147,943,526, A>C on the plus strand (T>G on the coding strand, the complement: ORC4 is on the minus strand). VCF-style: chr2-147943526-A-C. GRCh37 (hg19) VCF-style: chr2-148701095-A-C.
Other names: c.763-4T>G (NM_181742.4, NM_001190879.3, NM_002552.5 and 1 more transcripts); c.511-4T>G (NM_001190881.3, NM_001374272.1); c.541-4T>G (NM_001190882.3).
Identifiers: ClinVar variation 436119 (VCV000436119.9), dbSNP rs769409347, ClinGen allele CA1899506.
Genomic context (GRCh38, chr2:147,943,526, plus strand): 5'-GCTGATATTGAAATGCTTCTGTAGTACTTCTTGCACACTTCTATCTTCTGAGAGATACTA[A>C]AAGGAAAAAAAAAAAAAAAGCCAAAATTGAGGAAAGATGTAGTTTAAAACCTAAATATAA-3'